The following is an entry in ClinVar:

ClinVar aggregate classification (germline): Uncertain significance (1 of 4 stars; one submission).

gnomAD v4.1: 3 of 1,614,006 alleles (0.00019%); highest among the groups gnomAD compares: African/African-American, 0.004%; no homozygotes.

Submission:

Labcorp Genetics (formerly Invitae), Labcorp
Classification: Uncertain significance. Last evaluated: 2024-04-14. Review status: criteria provided, single submitter. Criteria: Invitae Variant Classification Sherloc (09022015). Collection method: clinical testing. Allele origin: germline.
Comment: This sequence change replaces valine, which is neutral and non-polar, with leucine, which is neutral and non-polar, at codon 297 of the FAM111A protein (p.Val297Leu). This variant is present in population databases (rs369758756, gnomAD no frequency). This variant has not been reported in the literature in individuals affected with FAM111A-related conditions. Advanced modeling of protein sequence and biophysical properties (such as structural, functional, and spatial information, amino acid conservation, physicochemical variation, residue mobility, and thermodynamic stability) performed at Invitae indicates that this missense variant is not expected to disrupt FAM111A protein function with a negative predictive value of 80%. In summary, the available evidence is currently insufficient to determine the role of this variant in disease. Therefore, it has been classified as a Variant of Uncertain Significance.

NM_001312909.2(FAM111A):c.889G>T (p.Val297Leu)

Gene: FAM111A (FAM111 trypsin like peptidase A; plus strand). Cytogenetic location: 11q12.1.
Variant type: single nucleotide variant.
Coding change: c.889G>T on transcript NM_001312909.2 (MANE Select); coding-DNA position 889, G replaced by T.
Protein change: p.Val297Leu; replaces valine 297 with leucine.
Molecular consequence: missense variant.
Genome position (GRCh38, 1-based): chr11:59,152,557, G>T. VCF-style: chr11-59152557-G-T. GRCh37 (hg19) VCF-style: chr11-58920030-G-T.
Other names: c.889G>T, p.Val297Leu (NM_001142519.3, NM_001142520.3, NM_001142521.3 and 29 more transcripts); short protein forms V297L.
Identifiers: ClinVar variation 3675228 (VCV003675228.2).